The following is an entry in ClinVar:

ClinVar aggregate classification (germline): Uncertain significance (1 of 4 stars; one submission).

Allele frequency attached by ClinVar (database versions not stated): TOPMed below 0.00001; gnomAD exomes 0.00001.

Submission:

Labcorp Genetics (formerly Invitae), Labcorp
Classification: Uncertain significance. Last evaluated: 2021-05-01. Review status: criteria provided, single submitter. Criteria: Invitae Variant Classification Sherloc (09022015). Collection method: clinical testing. Allele origin: germline.
Comment: This variant is not present in population databases (ExAC no frequency). This sequence change replaces alanine with valine at codon 631 of the CPLANE1 protein (p.Ala631Val). The alanine residue is weakly conserved and there is a small physicochemical difference between alanine and valine. This variant has not been reported in the literature in individuals with CPLANE1-related conditions. In summary, the available evidence is currently insufficient to determine the role of this variant in disease. Therefore, it has been classified as a Variant of Uncertain Significance. Algorithms developed to predict the effect of sequence changes on RNA splicing suggest that this variant may create or strengthen a splice site, but this prediction has not been confirmed by published transcriptional studies. Algorithms developed to predict the effect of missense changes on protein structure and function are either unavailable or do not agree on the potential impact of this missense change (SIFT: "Deleterious"; PolyPhen-2: "Benign"; Align-GVGD: "Class C0").

NM_001384732.1(CPLANE1):c.1892C>T (p.Ala631Val)

Gene: CPLANE1 (ciliogenesis and planar polarity effector complex subunit 1; minus strand). Cytogenetic location: 5p13.2.
Variant type: single nucleotide variant.
Coding change: c.1892C>T on transcript NM_001384732.1 (MANE Select); coding-DNA position 1892, C replaced by T.
Protein change: p.Ala631Val; replaces alanine 631 with valine.
Molecular consequence: missense variant.
Genome position (GRCh38, 1-based): chr5:37,226,703, G>A on the plus strand (C>T on the coding strand, the complement: CPLANE1 is on the minus strand). VCF-style: chr5-37226703-G-A. GRCh37 (hg19) VCF-style: chr5-37226805-G-A.
Other names: c.1892C>T, p.Ala631Val (NM_023073.4); short protein forms A631V.
Identifiers: ClinVar variation 1423781 (VCV001423781.8), dbSNP rs1303581119, ClinGen allele CA359498391.